The following is an entry in ClinVar:

NM_001135649.3(FOXI3):c.237GCC[6] (p.Pro85dup)

Gene: FOXI3 (forkhead box I3; minus strand). Cytogenetic location: 2p11.2.
Variant type: Microsatellite.
Coding change: c.237GCC[6] on transcript NM_001135649.3 (MANE Select); six copies in a row of the 3-base unit GCC starting at c.237; the reference has five copies in a row; one copy, 3 bases duplicated.
Protein change: p.Pro85dup; duplicates proline 85.
Molecular consequence: inframe insertion.
Genome position (GRCh38, 1-based): chr2:88,452,285-88,452,287, GGC duplicated on the plus strand (GCC on the coding strand, the reverse complement: FOXI3 is on the minus strand); duplicating any 3 consecutive bases within chr2:88,452,285-88,452,301 gives the same sequence; the position shown is the placement nearest the transcript's 3' end. VCF-style (leftmost placement, unchanged base first): chr2-88452284-G-GGGC. GRCh37 (hg19) VCF-style: chr2-88751802-G-GGGC.
Identifiers: ClinVar variation 1492646 (VCV001492646.6), dbSNP rs1256638071, ClinGen allele CA534638479.
Genomic context (GRCh38, chr2:88,452,284, plus strand): 5'-GCAGCCGAAGGTGCCGGCGGCAGGCGGTGGCTGCAGAAAGGGCCCGGCCGCGGCCCCGGG[G>GGGC]GGCGGCGGCGGCGGCGGAGCGCCCAGGTACGCGGCGGCGGCTGCGGCGGCGGCGGAGGGC-3'

ClinVar aggregate classification (germline): Uncertain significance (1 of 4 stars; one submission).

Submission:

Labcorp Genetics (formerly Invitae), Labcorp
Classification: Uncertain significance. Last evaluated: 2026-01-11. Review status: criteria provided, single submitter. Criteria: Invitae Variant Classification Sherloc (09022015). Collection method: clinical testing. Allele origin: germline.
Comment: This variant, c.249_251dup, is a complex sequence change that results in the dup amino acid(s) in the FOXI3 protein (p.Pro85dup). This variant is present in population databases (no rsID available, gnomAD 0.02%). This variant has not been reported in the literature in individuals affected with FOXI3-related conditions. Experimental studies and prediction algorithms are not available or were not evaluated, and the functional significance of this variant is currently unknown. In summary, the available evidence is currently insufficient to determine the role of this variant in disease. Therefore, it has been classified as a Variant of Uncertain Significance.